The following is an entry in ClinVar:

NM_002382.5(MAX):c.37-10C>T

Gene: MAX (MYC associated transcriptional regulator X; minus strand). Cytogenetic location: 14q23.3.
Variant type: single nucleotide variant.
Coding change: c.37-10C>T on transcript NM_002382.5 (MANE Select); 10 bases into the intron before coding-DNA position 37, C replaced by T.
Molecular consequence: intron variant.
Genome position (GRCh38, 1-based): chr14:65,101,582, G>A on the plus strand (C>T on the coding strand, the complement: MAX is on the minus strand). VCF-style: chr14-65101582-G-A. GRCh37 (hg19) VCF-style: chr14-65568300-G-A.
Other names: c.36+722C>T (NM_001271069.2, NM_145112.3, NM_001271068.2); c.37-10C>T (NM_197957.4, NM_145113.3, NM_145114.3); c.-238-10C>T (NM_001320415.2).
Identifiers: ClinVar variation 1628482 (VCV001628482.9), dbSNP rs1457798349, ClinGen allele CA614439637.

ClinVar aggregate classification (germline): Likely benign. Review status: criteria provided, multiple submitters, no conflicts (2 of 4 stars). 2 submissions from 2 submitters: Likely benign (2). Last evaluated 2026-06-05.

Conditions:
Pheochromocytoma. Also called: MAX-Related Hereditary Paraganglioma-Pheochromocytoma Syndrome. Identifiers: Orphanet 29072, MedGen C0031511, MONDO:0008233, OMIM 171300, HP:0002666.
Hereditary pheochromocytoma and paraganglioma. Also called: Hereditary Paraganglioma-Pheochromocytoma Syndromes; Hereditary pheochromocytoma-paraganglioma; Hereditary paragangliomas and pheochromocytomas. Identifiers: Orphanet 29072, MedGen C4274332, MONDO:0017366.

Submissions (2):

Myriad Genetics, Inc.
Classification: Likely benign for Pheochromocytoma. Last evaluated: 2026-06-05. Review status: criteria provided, single submitter. Criteria: Myriad Autosomal Dominant, Autosomal Recessive and X-Linked Classification Criteria (2023). Collection method: clinical testing. Allele origin: unknown.
Comment: This variant is considered likely benign. This variant is intronic and is not expected to impact mRNA splicing.

Labcorp Genetics (formerly Invitae), Labcorp
Classification: Likely benign for Hereditary pheochromocytoma and paraganglioma. Last evaluated: 2021-05-12. Review status: criteria provided, single submitter. Criteria: Invitae Variant Classification Sherloc (09022015). Collection method: clinical testing. Allele origin: germline.